The following is an entry in ClinVar:

NM_024529.5(CDC73):c.304G>T (p.Ala102Ser)

Gene: CDC73 (cell division cycle 73; plus strand). Cytogenetic location: 1q31.2.
Variant type: single nucleotide variant.
Coding change: c.304G>T on transcript NM_024529.5 (MANE Select); coding-DNA position 304, G replaced by T.
Protein change: p.Ala102Ser; replaces alanine 102 with serine.
Molecular consequence: missense variant.
Genome position (GRCh38, 1-based): chr1:193,130,240, G>T. VCF-style: chr1-193130240-G-T. GRCh37 (hg19) VCF-style: chr1-193099370-G-T.
Other names: short protein forms A102S.
Identifiers: ClinVar variation 1035459 (VCV001035459.10), dbSNP rs1675671504, ClinGen allele CA343973414.

ClinVar aggregate classification (germline): Uncertain significance. Review status: criteria provided, multiple submitters, no conflicts (2 of 4 stars). 2 submissions from 2 submitters: Uncertain significance (2). Last evaluated 2025-04-03.

Conditions:
Hereditary cancer-predisposing syndrome. Also called: Hereditary neoplastic syndrome; Neoplastic Syndromes, Hereditary; Tumor predisposition; Hereditary Cancer Syndrome. Identifiers: Orphanet 140162, MedGen C0027672, MeSH D009386, MONDO:0015356.
Parathyroid carcinoma (PRTC). Also called: Parathyroid gland carcinoma; CDC73-Related Parathyroid Carcinoma. Identifiers: Orphanet 143, MedGen C0687150, MONDO:0012004, OMIM 608266, HP:0006780.

Allele frequency attached by ClinVar (database versions not stated): gnomAD exomes below 0.00001.
gnomAD v4.1: 1 of 1,556,158 alleles (0.000064%); highest among the groups gnomAD compares: East Asian, 0.0022%; no homozygotes.

Submissions (2):

Ambry Genetics
Classification: Uncertain significance for Hereditary cancer-predisposing syndrome. Last evaluated: 2025-04-03. Review status: criteria provided, single submitter. Criteria: Ambry Variant Classification Scheme 2023. Collection method: clinical testing. Allele origin: germline.
Comment: The p.A102S variant (also known as c.304G>T), located in coding exon 3 of the CDC73 gene, results from a G to T substitution at nucleotide position 304. The alanine at codon 102 is replaced by serine, an amino acid with similar properties. This amino acid position is not well conserved in available vertebrate species. In addition, this alteration is predicted to be tolerated by in silico analysis. Since supporting evidence is limited at this time, the clinical significance of this alteration remains unclear.

Labcorp Genetics (formerly Invitae), Labcorp
Classification: Uncertain significance for Parathyroid carcinoma. Last evaluated: 2024-05-02. Review status: criteria provided, single submitter. Criteria: Invitae Variant Classification Sherloc (09022015). Collection method: clinical testing. Allele origin: germline.
Comment: This sequence change replaces alanine, which is neutral and non-polar, with serine, which is neutral and polar, at codon 102 of the CDC73 protein (p.Ala102Ser). This variant is not present in population databases (gnomAD no frequency). This variant has not been reported in the literature in individuals affected with CDC73-related conditions. ClinVar contains an entry for this variant (Variation ID: 1035459). Advanced modeling of protein sequence and biophysical properties (such as structural, functional, and spatial information, amino acid conservation, physicochemical variation, residue mobility, and thermodynamic stability) performed at Invitae indicates that this missense variant is not expected to disrupt CDC73 protein function with a negative predictive value of 80%. In summary, the available evidence is currently insufficient to determine the role of this variant in disease. Therefore, it has been classified as a Variant of Uncertain Significance.